The following is an entry in ClinVar:

ClinVar aggregate classification (germline): Likely benign. Review status: criteria provided, multiple submitters, no conflicts (2 of 4 stars). 4 submissions from 4 submitters: Likely benign (2). 2 of the submissions do not count toward it. Last evaluated 2025-12-18.

Conditions:
Muscle eye brain disease (MEB). Also called: Santavuori congenital muscular dystrophy. Identifiers: Orphanet 588, Orphanet 899, MedGen C0457133, MONDO:0018939.
Muscular dystrophy-dystroglycanopathy (congenital with impaired intellectual development), type B, 3. Also called: Muscular dystrophy-dystroglycanopathy (congenital with intellectual disability), type B3; MUSCULAR DYSTROPHY, CONGENITAL, POMGNT1-RELATED. Identifiers: MedGen C3150412, MONDO:0013155, OMIM 613151.
Autosomal recessive limb-girdle muscular dystrophy type 2O. Also called: Limb-Girdle Muscular Dystrophy Type 3C; MUSCULAR DYSTROPHY-DYSTROGLYCANOPATHY (LIMB-GIRDLE), TYPE C, 3; MUSCULAR DYSTROPHY-DYSTROGLYCANOPATHY, LIMB-GIRDLE, POMGNT1-RELATED. Identifiers: Orphanet 206564, MedGen C3150417, MONDO:0013161, OMIM 613157.
POMGNT1-related disorder. Also called: POMGNT1-related condition; POMGNT1-related disorders. Identifiers: MedGen CN239299.

Allele frequency attached by ClinVar (database versions not stated): gnomAD 0.00005 and 0.00004; gnomAD exomes 0.00006 and 0.00003; ExAC 0.00003; TOPMed 0.00003.
gnomAD v4.1: 101 of 1,613,594 alleles (0.0063%); highest among the groups gnomAD compares: Non-Finnish European, 0.0078%; no homozygotes.

Submissions (4):

Mayo Clinic Laboratories, Mayo Clinic
Classification: Likely benign. Last evaluated: 2025-12-18. Review status: criteria provided, single submitter. Criteria: ACMG Guidelines, 2015. Collection method: clinical testing. Allele origin: germline. Observed: 1 variant allele.
Comment: BP4, BP7

Labcorp Genetics (formerly Invitae), Labcorp
Classification: Likely benign for Autosomal recessive limb-girdle muscular dystrophy type 2O; Muscular dystrophy-dystroglycanopathy (congenital with impaired intellectual development), type B, 3. Last evaluated: 2025-11-16. Review status: criteria provided, single submitter. Criteria: Invitae Variant Classification Sherloc (09022015). Collection method: clinical testing. Allele origin: germline.

Natera, Inc.
Classification: Uncertain significance for Muscle-eye-brain disease. Last evaluated: 2019-10-28. Review status: no assertion criteria provided. Collection method: clinical testing. Allele origin: germline. Not counted in ClinVar's aggregate classification.

PreventionGenetics, part of Exact Sciences
Classification: Likely benign for POMGNT1-related condition. Last evaluated: 2019-05-10. Review status: no assertion criteria provided. Collection method: clinical testing. Allele origin: germline. Not counted in ClinVar's aggregate classification.
Comment: This variant is classified as likely benign based on ACMG/AMP sequence variant interpretation guidelines (Richards et al. 2015 PMID: 25741868, with internal and published modifications).

NM_017739.4(POMGNT1):c.1101C>T (p.Arg367=)

Genes: POMGNT1 (protein O-linked mannose N-acetylglucosaminyltransferase 1 (beta 1,2-); minus strand), TSPAN1 (tetraspanin 1; plus strand). Cytogenetic location: 1p34.1.
Variant type: single nucleotide variant.
Coding change: c.1101C>T on transcript NM_017739.4 (MANE Select); coding-DNA position 1101, C replaced by T.
Protein change: p.Arg367=; no amino-acid change (arginine 367 retained).
Molecular consequence: synonymous variant.
Genome position (GRCh38, 1-based): chr1:46,193,314, G>A on the plus strand (C>T on the coding strand, the complement: POMGNT1 is on the minus strand). VCF-style: chr1-46193314-G-A. GRCh37 (hg19) VCF-style: chr1-46658986-G-A.
Other names: p.Arg367=; c.1101C>T (NM_001243766.1); c.1101C>T, p.Arg367= (NM_001243766.2, NM_001410783.1); c.1035C>T, p.Arg345= (NM_001290129.3); c.672C>T, p.Arg224= (NM_001290130.2).
Identifiers: ClinVar variation 538739 (VCV000538739.11), dbSNP rs775495503, ClinGen allele CA833499.
Genomic context (GRCh38, chr1:46,193,314, plus strand): 5'-GTAGAAGGCAGAGCCAGGTGTCTGCCCCATCCCCACTTGCCTATGCAGTACCTGAGACAC[G>A]CGGGCATTCTTGATGCTGATGGGAGTATGCTGGATGCCCCTCAGACCAAACAGTGCCACC-3'
Protein context (NP_060209.4, residues 357-377): QHTPISIKNA[Arg367=]VSQHYKASLT